The following is an entry in ClinVar:

NM_006393.3(NEBL):c.1225G>C (p.Glu409Gln)

Gene: NEBL (nebulette; minus strand). Cytogenetic location: 10p12.31.
Variant type: single nucleotide variant.
Coding change: c.1225G>C on transcript NM_006393.3 (MANE Select); coding-DNA position 1225, G replaced by C.
Protein change: p.Glu409Gln; replaces glutamic acid 409 with glutamine.
Molecular consequence: missense variant. On other transcripts: intron variant (9).
Genome position (GRCh38, 1-based): chr10:20,845,260, C>G on the plus strand (G>C on the coding strand, the complement: NEBL is on the minus strand). VCF-style: chr10-20845260-C-G. GRCh37 (hg19) VCF-style: chr10-21134189-C-G.
Other names: c.250-32320G>C (NM_001377326.1, NM_001377327.1, NM_001377328.1); c.358-32320G>C (NM_213569.2, NM_001173484.2, NM_001377322.1); c.301-32320G>C (NM_001377324.1); c.292-32320G>C (NM_001377325.1); c.310-32320G>C (NM_001377323.1); short protein forms E409Q.
Identifiers: ClinVar variation 1754168 (VCV001754168.3), dbSNP rs767565380, ClinGen allele CA376099525.
Genomic context (GRCh38, chr10:20,845,260, plus strand): 5'-CCTGGGTTTTTTCTTTACTTTTCTTCATAATATTTAATAATAAACACCAAGATCGTACCT[C>G]CCTCAGAAGGTTGGTGATGTACTTTACATGTAAAAATTCTGGAGTCTTGTCTAAATCCAG-3'
Protein context (NP_006384.1, residues 399-419): HVKYITNLLR[Glu409Gln]KEYKKDLENE

ClinVar aggregate classification (germline): Uncertain significance (1 of 4 stars; one submission).

gnomAD v4.1: 1 of 1,540,916 alleles (0.000065%); highest among the groups gnomAD compares: East Asian, 0.0023%; no homozygotes.

Submission:

Ambry Genetics
Classification: Uncertain significance. Last evaluated: 2024-08-07. Review status: criteria provided, single submitter. Criteria: Ambry Variant Classification Scheme 2023. Collection method: clinical testing. Allele origin: germline.
Comment: The p.E409Q variant (also known as c.1225G>C), located in coding exon 12 of the NEBL gene, results from a G to C substitution at nucleotide position 1225. The glutamic acid at codon 409 is replaced by glutamine, an amino acid with highly similar properties. This amino acid position is conserved. In addition, this alteration is predicted to be tolerated by in silico analysis. Since supporting evidence is limited at this time, the clinical significance of this alteration remains unclear.